The following is an entry in ClinVar:

NM_004329.3(BMPR1A):c.656G>T (p.Gly219Val)

Gene: BMPR1A (bone morphogenetic protein receptor type 1A; plus strand). Cytogenetic location: 10q23.2.
Variant type: single nucleotide variant.
Coding change: c.656G>T on transcript NM_004329.3 (MANE Select); coding-DNA position 656, G replaced by T.
Protein change: p.Gly219Val; replaces glycine 219 with valine.
Molecular consequence: missense variant. On other transcripts: non-coding transcript variant (3), intron variant (1).
Genome position (GRCh38, 1-based): chr10:86,912,365, G>T. VCF-style: chr10-86912365-G-T. GRCh37 (hg19) VCF-style: chr10-88672122-G-T.
Other names: c.656G>T, p.Gly219Val (NM_001406568.1, NM_001406569.1, NM_001406570.1 and 20 more transcripts); c.572G>T, p.Gly191Val (NM_001406587.1, NM_001406588.1, NM_001406584.1 and 2 more transcripts); c.334-4769G>T (NM_001406589.1); c.731G>T, p.Gly244Val (NM_001406559.1); c.704G>T, p.Gly235Val (NM_001406560.1); short protein forms G191V, G244V, G219V, G235V.
Identifiers: ClinVar variation 2603362 (VCV002603362.3), dbSNP rs878854671, ClinGen allele CA377455119.

ClinVar aggregate classification (germline): Uncertain significance (1 of 4 stars; one submission).

Conditions:
Hereditary cancer-predisposing syndrome. Also called: Hereditary neoplastic syndrome; Hereditary Cancer Syndrome; Neoplastic Syndromes, Hereditary; Tumor predisposition. Identifiers: Orphanet 140162, MedGen C0027672, MeSH D009386, MONDO:0015356.

Submission:

Ambry Genetics
Classification: Uncertain significance for Hereditary cancer-predisposing syndrome. Last evaluated: 2026-07-06. Review status: criteria provided, single submitter. Criteria: Ambry Variant Classification Scheme 2023. Collection method: clinical testing. Allele origin: germline.
Comment: The p.G219V variant (also known as c.656G>T), located in coding exon 6 of the BMPR1A gene, results from a G to T substitution at nucleotide position 656. The glycine at codon 219 is replaced by valine, an amino acid with dissimilar properties. This amino acid position is conserved. In addition, this alteration is predicted to be deleterious by in silico analysis. Based on the available evidence, the clinical significance of this variant remains unclear.